The following is an entry in ClinVar:

ClinVar aggregate classification (germline): Uncertain significance (1 of 4 stars; one submission).

Submission:

Labcorp Genetics (formerly Invitae), Labcorp
Classification: Uncertain significance. Last evaluated: 2023-02-16. Review status: criteria provided, single submitter. Criteria: Invitae Variant Classification Sherloc (09022015). Collection method: clinical testing. Allele origin: germline.
Comment: This sequence change falls in intron 2 of the CACNA1E gene. It does not directly change the encoded amino acid sequence of the CACNA1E protein. It affects a nucleotide within the consensus splice site. In summary, the available evidence is currently insufficient to determine the role of this variant in disease. Therefore, it has been classified as a Variant of Uncertain Significance. Variants that disrupt the consensus splice site are a relatively common cause of aberrant splicing (PMID: 17576681, 9536098). Algorithms developed to predict the effect of sequence changes on RNA splicing suggest that this variant is not likely to affect RNA splicing. This variant has not been reported in the literature in individuals affected with CACNA1E-related conditions. This variant is not present in population databases (gnomAD no frequency).

Literature cited by the submitters: PubMed 17576681; PubMed 9536098.

NM_001205293.3(CACNA1E):c.372+4T>A

Gene: CACNA1E (calcium voltage-gated channel subunit alpha1 E; plus strand). Cytogenetic location: 1q25.3.
Variant type: single nucleotide variant.
Coding change: c.372+4T>A on transcript NM_001205293.3 (MANE Select); 4 bases into the intron after coding-DNA position 372, T replaced by A.
Molecular consequence: intron variant.
Genome position (GRCh38, 1-based): chr1:181,510,586, T>A. VCF-style: chr1-181510586-T-A. GRCh37 (hg19) VCF-style: chr1-181479722-T-A.
Other names: c.372+4T>A (NM_000721.4, NM_001205294.2).
Identifiers: ClinVar variation 2797820 (VCV002797820.3), dbSNP rs2526608174, ClinGen allele CA2739275416.